The following is an entry in ClinVar:

ClinVar aggregate classification (germline): Conflicting classifications of pathogenicity. Review status: criteria provided, conflicting classifications (1 of 4 stars). 4 submissions from 4 submitters: Uncertain significance (1); Likely benign (3). Last evaluated 2026-04-22.

Conditions:
TTN-related disorder. Also called: TTN-related condition; TTN-related disease; TTN-related disorders.
Cardiovascular phenotype. Identifiers: MedGen CN230736.

Allele frequency attached by ClinVar (database versions not stated): gnomAD exomes 0.00004 and 0.00001; ExAC 0.00006; ESP Exome Variant Server 0.00017; gnomAD 0.00017 and 0.00018; TOPMed 0.00017.
gnomAD v4.1: 39 of 1,613,324 alleles (0.0024%); highest among the groups gnomAD compares: African/African-American, 0.051%; no homozygotes.

Submissions (4):

PreventionGenetics, part of Exact Sciences
Classification: Uncertain significance for TTN-related condition. Last evaluated: 2026-04-22. Review status: criteria provided, single submitter. Criteria: ACMG Guidelines, 2015. Collection method: clinical testing. Allele origin: germline.
Comment: The TTN c.12049T>G variant is predicted to result in the amino acid substitution p.Leu4017Val. To our knowledge, this variant has not been reported in the literature. This variant is reported in 0.079% of alleles in individuals of African descent in gnomAD, which may be too common to be an undocumented primary cause of disease. Although we suspect that this variant may be benign, at this time, the clinical significance of this variant is uncertain due to the absence of conclusive functional and genetic evidence.

Women's Health and Genetics/Laboratory Corporation of America, LabCorp
Classification: Likely benign. Last evaluated: 2026-03-24. Review status: criteria provided, single submitter. Criteria: LabCorp Variant Classification Summary - May 2015. Collection method: clinical testing. Allele origin: germline.
Comment: Variant summary: TTN c.10361-2824T>G is located at a position not widely known to affect splicing. This variant corresponds to c.12049T>G, p.Leu4017Val in NM_001267550. Several computational tools predict a significant impact on normal splicing: Three predict the variant creates a 5' donor site. One predicts the variant abolishes a cryptic 5' donor site. One predicts the variant weakens a cryptic 5' donor site. However, these predictions have yet to be confirmed by functional studies. The variant allele was found at a frequency of 4e-05 in 248004 control chromosomes, predominantly at a frequency of 0.00065 within the African or African-American subpopulation in the gnomAD database. The observed variant frequency within African or African-American control individuals in the gnomAD database exceeds the estimated maximal expected allele frequency for disease-causing variants in TTN. c.10361-2824T>G has been reported as 2:179605911A>C in the biallelic state in at least 1 individual(s) affected with nonsyndromic retinal dystrophy who had other proposed causative genotype(s) (example, Jurkute_2022). These report(s) do not provide unequivocal conclusions about association of the variant with TTN-related conditions. To our knowledge, no experimental evidence demonstrating an impact on protein function has been reported. The following publication has been ascertained in the context of this evaluation (PMID: 36266294). ClinVar contains an entry for this variant (Variation ID: 517063). Based on the evidence outlined above, the variant was classified as likely benign.

Ambry Genetics
Classification: Likely benign for Cardiovascular phenotype. Last evaluated: 2019-05-29. Review status: criteria provided, single submitter. Criteria: Ambry Variant Classification Scheme 2023. Collection method: clinical testing. Allele origin: germline.

GeneDx
Classification: Likely benign. Last evaluated: 2018-04-24. Review status: criteria provided, single submitter. Criteria: GeneDx Variant Classification Process June 2021. Collection method: clinical testing. Allele origin: germline. Affected: yes.

Literature cited by the submitters: PubMed 36266294 (cited by Women's Health and Genetics/Laboratory Corporation of America, LabCorp).

NM_001267550.2(TTN):c.12049T>G (p.Leu4017Val)

Gene: TTN (titin; minus strand). Cytogenetic location: 2q31.2.
Variant type: single nucleotide variant.
Coding change: c.12049T>G on transcript NM_001267550.2 (MANE Select); coding-DNA position 12049, T replaced by G.
Protein change: p.Leu4017Val; replaces leucine 4017 with valine.
Molecular consequence: missense variant. On other transcripts: intron variant (1).
Genome position (GRCh38, 1-based): chr2:178,741,184, A>C on the plus strand (T>G on the coding strand, the complement: TTN is on the minus strand). VCF-style: chr2-178741184-A-C. GRCh37 (hg19) VCF-style: chr2-179605911-A-C.
Other names: c.11098T>G, p.Leu3700Val (NM_001256850.1); c.10960T>G, p.Leu3654Val (NM_003319.4); c.11335T>G, p.Leu3779Val (NM_133432.3); c.11536T>G, p.Leu3846Val (NM_133437.4); c.10361-2824T>G (NM_133378.4); short protein forms L3700V, L4017V, L3654V, L3846V, L3779V.
Identifiers: ClinVar variation 517063 (VCV000517063.7), dbSNP rs367635055, ClinGen allele CA2002768.